The following is an entry in ClinVar:

NM_001267550.2(TTN):c.11311+3978T>G

Gene: TTN (titin; minus strand). Cytogenetic location: 2q31.2.
Variant type: single nucleotide variant.
Coding change: c.11311+3978T>G on transcript NM_001267550.2 (MANE Select); 3978 bases into the intron after coding-DNA position 11311, T replaced by G.
Molecular consequence: intron variant. On other transcripts: nonsense (1).
Genome position (GRCh38, 1-based): chr2:178,749,146, A>C on the plus strand (T>G on the coding strand, the complement: TTN is on the minus strand). VCF-style: chr2-178749146-A-C. GRCh37 (hg19) VCF-style: chr2-179613873-A-C.
Other names: c.13254T>G, p.Tyr4418Ter (NM_133379.5); c.10222+3978T>G (NM_003319.4); c.10798+3978T>G (NM_133437.4); c.10597+3978T>G (NM_133432.3); c.10360+3978T>G (NM_133378.4, NM_001256850.1); short protein forms Y4418*.
Identifiers: ClinVar variation 4528260 (VCV004528260.2).

ClinVar aggregate classification (germline): Uncertain significance. Review status: criteria provided, multiple submitters, no conflicts (2 of 4 stars). 2 submissions from 2 submitters: Uncertain significance (2). Last evaluated 2025-05-02.

gnomAD v4.1: 21 of 1,612,610 alleles (0.0013%); highest among the groups gnomAD compares: East Asian, 0.045%; no homozygotes.

Submissions (2):

GeneDx
Classification: Uncertain significance. Last evaluated: 2025-05-02. Review status: criteria provided, single submitter. Criteria: GeneDx Variant Classification Process June 2021. Collection method: clinical testing. Allele origin: germline. Affected: yes.
Comment: Nonsense variant predicted to result in protein truncation as the last 1187 amino acids are lost; Reported using an alternate transcript of the gene; This variant is associated with the following publications: (PMID: 34553419, 38381767, 39365793)

Blueprint Genetics
Classification: Uncertain significance. Last evaluated: 2024-06-07. Review status: criteria provided, single submitter. Criteria: ACMG Guidelines, 2015. Collection method: clinical testing. Allele origin: germline.